The following is an entry in ClinVar:

ClinVar aggregate classification (germline): Uncertain significance. Review status: criteria provided, single submitter (1 of 4 stars). 2 submissions from 2 submitters: Uncertain significance (1). 1 of the submissions does not count toward it. Last evaluated 2026-08-01.

Conditions:
TTN-related disorder. Also called: TTN-related disorders; TTN-related condition; TTN-related disease.

gnomAD v4.1: 8 of 1,614,082 alleles (0.0005%); highest among the groups gnomAD compares: Middle Eastern, 0.033%; no homozygotes.

Submissions (2):

CeGaT Center for Human Genetics Tuebingen
Classification: Uncertain significance. Last evaluated: 2026-08-01. Review status: criteria provided, single submitter. Criteria: CeGaT Center For Human Genetics Tuebingen Variant Classification Criteria Version 2. Collection method: clinical testing. Allele origin: germline. Affected: yes. Observed: 1 variant allele.
Comment: TTN: PM2:Supporting, BP4

PreventionGenetics, part of Exact Sciences
Classification: Uncertain significance for TTN-related condition. Last evaluated: 2024-07-29. Review status: no assertion criteria provided. Collection method: clinical testing. Allele origin: germline. Not counted in ClinVar's aggregate classification.
Comment: The TTN c.3208A>G variant is predicted to result in the amino acid substitution p.Thr1070Ala. To our knowledge, this variant has not been reported in the literature. This variant is reported in 0.0033% of alleles in individuals of South Asian descent in gnomAD. At this time, the clinical significance of this variant is uncertain due to the absence of conclusive functional and genetic evidence.

NM_001267550.2(TTN):c.3208A>G (p.Thr1070Ala)

Gene: TTN (titin; minus strand). Cytogenetic location: 2q31.2.
Variant type: single nucleotide variant.
Coding change: c.3208A>G on transcript NM_001267550.2 (MANE Select); coding-DNA position 3208, A replaced by G.
Protein change: p.Thr1070Ala; replaces threonine 1070 with alanine.
Molecular consequence: missense variant.
Genome position (GRCh38, 1-based): chr2:178,782,384, T>C on the plus strand (A>G on the coding strand, the complement: TTN is on the minus strand). VCF-style: chr2-178782384-T-C. GRCh37 (hg19) VCF-style: chr2-179647111-T-C.
Other names: c.3208A>G, p.Thr1070Ala (NM_001256850.1, NM_133378.4, NM_133379.5); c.3070A>G, p.Thr1024Ala (NM_003319.4, NM_133432.3, NM_133437.4); short protein forms T1024A, T1070A.
Identifiers: ClinVar variation 3351903 (VCV003351903.2).